The following is an entry in ClinVar:

NM_002500.5(NEUROD1):c.613C>T (p.Pro205Ser)

Gene: NEUROD1 (neuronal differentiation 1; minus strand). Cytogenetic location: 2q31.3.
Variant type: single nucleotide variant.
Coding change: c.613C>T on transcript NM_002500.5 (MANE Select); coding-DNA position 613, C replaced by T.
Protein change: p.Pro205Ser; replaces proline 205 with serine.
Molecular consequence: missense variant.
Genome position (GRCh38, 1-based): chr2:181,678,248, G>A on the plus strand (C>T on the coding strand, the complement: NEUROD1 is on the minus strand). VCF-style: chr2-181678248-G-A. GRCh37 (hg19) VCF-style: chr2-182542975-G-A.
Other names: short protein forms P205S.
Identifiers: ClinVar variation 1011693 (VCV001011693.10), dbSNP rs1688625476, ClinGen allele CA349783822.
Genomic context (GRCh38, chr2:181,678,248, plus strand): 5'-CAGGCGACTGGTAGGAGTAGGGGTGTACAGGGAAGGAAGCGCTGGCCGTCGGCAGGTGGG[G>A]GGGCATGTCCTGGTTCTGCTCAGGCAGAAAAGTCCGAGGATTGAGTTGCAGGCAGCCCGC-3'
Protein context (NP_002491.3, residues 195-215): FLPEQNQDMP[Pro205Ser]HLPTASASFP

ClinVar aggregate classification (germline): Uncertain significance (1 of 4 stars; one submission).

Allele frequency attached by ClinVar (database versions not stated): gnomAD exomes 0.00002.
gnomAD v4.1: 17 of 1,614,170 alleles (0.0011%); highest among the groups gnomAD compares: Non-Finnish European, 0.0014%; no homozygotes.

Submission:

Labcorp Genetics (formerly Invitae), Labcorp
Classification: Uncertain significance. Last evaluated: 2022-07-11. Review status: criteria provided, single submitter. Criteria: Invitae Variant Classification Sherloc (09022015). Collection method: clinical testing. Allele origin: germline.
Comment: In summary, the available evidence is currently insufficient to determine the role of this variant in disease. Therefore, it has been classified as a Variant of Uncertain Significance. Algorithms developed to predict the effect of missense changes on protein structure and function (SIFT, PolyPhen-2, Align-GVGD) all suggest that this variant is likely to be tolerated. ClinVar contains an entry for this variant (Variation ID: 1011693). This variant has not been reported in the literature in individuals affected with NEUROD1-related conditions. This variant is not present in population databases (gnomAD no frequency). This sequence change replaces proline, which is neutral and non-polar, with serine, which is neutral and polar, at codon 205 of the NEUROD1 protein (p.Pro205Ser).